The following is an entry in ClinVar:

NM_001374385.1(ATP8B1):c.2821C>T (p.Arg941Ter)

Genes: ATP8B1 (ATPase phospholipid transporting 8B1; minus strand), ATP8B1-AS1 (ATP8B1 antisense RNA 1; plus strand). Cytogenetic location: 18q21.31.
Variant type: single nucleotide variant.
Coding change: c.2821C>T on transcript NM_001374385.1 (MANE Select); coding-DNA position 2821, C replaced by T.
Protein change: p.Arg941Ter; replaces arginine 941 with a stop codon.
Molecular consequence: nonsense.
Genome position (GRCh38, 1-based): chr18:57,655,304, G>A on the plus strand (C>T on the coding strand, the complement: ATP8B1 is on the minus strand). VCF-style: chr18-57655304-G-A. GRCh37 (hg19) VCF-style: chr18-55322536-G-A.
Other names: c.2821C>T (NM_005603.4); c.2671C>T, p.Arg891Ter (NM_001374386.1); c.2821C>T, p.Arg941Ter (NM_005603.6); short protein forms R891*, R941*.
Identifiers: ClinVar variation 1698723 (VCV001698723.13), dbSNP rs374340059, ClinGen allele CA8974153.

ClinVar aggregate classification (germline): Pathogenic. Review status: criteria provided, multiple submitters, no conflicts (2 of 4 stars). 5 submissions from 5 submitters: Pathogenic (4). 1 of the submissions does not count toward it. Last evaluated 2026-04-14.

Conditions:
ATP8B1-related disorder. Also called: ATP8B1-related condition; ATP8B1-related disorders.
Familial intrahepatic cholestasis. Identifiers: Orphanet 284385, MedGen CN296401, MONDO:0017290.
Progressive familial intrahepatic cholestasis type 1. Also called: Severe ATP8B1 Deficiency (Progressive Familial Intrahepatic Cholestasis Type 1 [PFIC1]); Byler's disease; BYLER DISEASE. Identifiers: Orphanet 79306, MedGen C4551898, MONDO:0008892, OMIM 211600.
Benign recurrent intrahepatic cholestasis type 1. Also called: Mild-to-Moderate ATP8B1 Deficiency (Benign Recurrent Intrahepatic Cholestasis 1 [BRIC1]); SUMMERSKILL SYNDROME. Identifiers: Orphanet 65682, Orphanet 99960, MedGen C4551899, MONDO:0009469, OMIM 243300.

Allele frequency attached by ClinVar (database versions not stated): ExAC 0.00001; TOPMed 0.00002; gnomAD 0.00003 and 0.00004; gnomAD exomes 0.00003; ESP Exome Variant Server 0.00008.
gnomAD v4.1: 53 of 1,613,966 alleles (0.0033%); highest among the groups gnomAD compares: Non-Finnish European, 0.0044%; no homozygotes.

Submissions (5):

Genomenon, Inc
Classification: Pathogenic for Familial intrahepatic cholestasis. Last evaluated: 2026-04-14. Review status: criteria provided, single submitter. Criteria: Genomenon Sequence Variant Interpretation Standards - Updated. Collection method: curation. Allele origin: germline. Affected: yes.
Comment: ATP8B1 p.Arg941Ter (c.2821C>T) is a nonsense variant that introduces a premature stop codon at amino acid position 941, creating a truncated protein that is predicted to undergo nonsense-mediated mRNA decay. This variant has been observed in at least one proband with features of ATP8B1-deficiency (PMID:40851490;26382629). It is absent or not present at a significant frequency in gnomAD. In conclusion, we classify ATP8B1 p.Arg941Ter (c.2821C>T) as a pathogenic variant.

Labcorp Genetics (formerly Invitae), Labcorp
Classification: Pathogenic. Last evaluated: 2026-01-28. Review status: criteria provided, single submitter. Criteria: Invitae Variant Classification Sherloc (09022015). Collection method: clinical testing. Allele origin: germline.
Comment: This sequence change creates a premature translational stop signal (p.Arg941*) in the ATP8B1 gene. It is expected to result in an absent or disrupted protein product. Loss-of-function variants in ATP8B1 are known to be pathogenic (PMID: 15239083, 22525741). This variant is present in population databases (rs374340059, gnomAD 0.007%). This premature translational stop signal has been observed in individual(s) with clinical features of progressive familial intrahepatic cholestasis (PMID: 27050426, 30366773). ClinVar contains an entry for this variant (Variation ID: 1698723). For these reasons, this variant has been classified as Pathogenic.

Baylor Genetics
Classification: Pathogenic for Benign recurrent intrahepatic cholestasis type 1. Last evaluated: 2024-03-21. Review status: criteria provided, single submitter. Criteria: ACMG Guidelines, 2015. Collection method: clinical testing. Allele origin: unknown.

Genetics and Molecular Pathology, SA Pathology
Classification: Pathogenic for Progressive familial intrahepatic cholestasis type 1. Last evaluated: 2021-03-16. Review status: criteria provided, single submitter. Criteria: ACMG Guidelines, 2015. Collection method: clinical testing. Allele origin: germline. Inheritance: Autosomal recessive inheritance. Affected: yes.

PreventionGenetics, part of Exact Sciences
Classification: Pathogenic for ATP8B1-related condition. Last evaluated: 2024-09-25. Review status: no assertion criteria provided. Collection method: clinical testing. Allele origin: germline. Not counted in ClinVar's aggregate classification.
Comment: The ATP8B1 c.2821C>T variant is predicted to result in premature protein termination (p.Arg941*). This variant has been reported in the apparently homozygous state in an individual with intrahepatic cholestasis (Li et al. 2015. PubMed ID: 26382629). This variant has also been reported along with a second ATP8B1 variant in an individual with progressive familial intrahepatic cholestasis (Chen et al. 2019. PubMed ID: 30366773). This variant is reported in 0.0062% of alleles in individuals of European (Non-Finnish) descent in gnomAD. Nonsense variants in ATP8B1 are expected to be pathogenic. This variant is interpreted as pathogenic.

Literature cited by the submitters: PubMed 40851490 (cited by Genomenon, Inc); PubMed 26382629 (cited by Genomenon, Inc); PubMed 15239083 (cited by Labcorp Genetics (formerly Invitae), Labcorp); PubMed 22525741 (cited by Labcorp Genetics (formerly Invitae), Labcorp); PubMed 27050426 (cited by Labcorp Genetics (formerly Invitae), Labcorp); PubMed 30366773 (cited by Labcorp Genetics (formerly Invitae), Labcorp).